The following is an entry in ClinVar:

NM_000059.4(BRCA2):c.9343A>C (p.Lys3115Gln)

Gene: BRCA2 (BRCA2 DNA repair associated; plus strand). Cytogenetic location: 13q13.1.
Variant type: single nucleotide variant.
Coding change: c.9343A>C on transcript NM_000059.4 (MANE Select); coding-DNA position 9343, A replaced by C.
Protein change: p.Lys3115Gln; replaces lysine 3115 with glutamine.
Molecular consequence: missense variant.
Genome position (GRCh38, 1-based): chr13:32,394,775, A>C. VCF-style: chr13-32394775-A-C. GRCh37 (hg19) VCF-style: chr13-32968912-A-C.
Other names: c.9247A>C, p.Lys3083Gln (NM_001406719.1); c.9292A>C, p.Lys3098Gln (NM_001406720.1); c.4411A>C, p.Lys1471Gln (NM_001406721.1); c.2926A>C, p.Lys976Gln (NM_001406722.1); short protein forms K1471Q, K3098Q, K3115Q, K976Q, K3083Q.
Identifiers: ClinVar variation 2085069 (VCV002085069.4), dbSNP rs2137652875, ClinGen allele CA387761057.
Genomic context (GRCh38, chr13:32,394,775, plus strand): 5'-GACGAATGTTACAATTTACTGGCAATAAAGTTTTGGATAGACCTTAATGAGGACATTATT[A>C]AGCCTCATATGTTAATTGCTGCAAGCAACCTCCAGTGGCGACCAGAATCCAAATCAGGCC-3'
Protein context (NP_000050.3, residues 3105-3125): FWIDLNEDII[Lys3115Gln]PHMLIAASNL

ClinVar aggregate classification (germline): Uncertain significance (1 of 4 stars; one submission).

Conditions:
Hereditary breast ovarian cancer syndrome. Also called: BRCA1- and BRCA2-Associated Hereditary Breast and Ovarian Cancer; Hereditary breast and/or ovarian cancer syndrome; Hereditary breast and ovarian cancer syndrome; Hereditary breast and ovarian cancer syndrome (HBOC); Breast and ovarian cancer; Hereditary breast and ovarian cancer. Identifiers: Orphanet 145, MedGen C0677776, MeSH D061325, MONDO:0003582. Disease mechanism: loss of function.

Allele frequency attached by ClinVar (database versions not stated): gnomAD exomes below 0.00001.
gnomAD v4.1: 1 of 1,614,100 alleles (0.000062%); highest among the groups gnomAD compares: Non-Finnish European, 0.000085%; no homozygotes.

Submission:

Labcorp Genetics (formerly Invitae), Labcorp
Classification: Uncertain significance for Hereditary breast ovarian cancer syndrome. Last evaluated: 2024-11-07. Review status: criteria provided, single submitter. Criteria: Invitae Variant Classification Sherloc (09022015). Collection method: clinical testing. Allele origin: germline.
Comment: This sequence change replaces lysine, which is basic and polar, with glutamine, which is neutral and polar, at codon 3115 of the BRCA2 protein (p.Lys3115Gln). This variant is not present in population databases (gnomAD no frequency). This variant has not been reported in the literature in individuals affected with BRCA2-related conditions. ClinVar contains an entry for this variant (Variation ID: 2085069). Invitae Evidence Modeling of protein sequence and biophysical properties (such as structural, functional, and spatial information, amino acid conservation, physicochemical variation, residue mobility, and thermodynamic stability) indicates that this missense variant is not expected to disrupt BRCA2 protein function with a negative predictive value of 95%. In summary, the available evidence is currently insufficient to determine the role of this variant in disease. Therefore, it has been classified as a Variant of Uncertain Significance.